The following is an entry in ClinVar:

NM_001378120.1(MBD5):c.397+20G>A

Gene: MBD5 (methyl-CpG binding domain protein 5; plus strand). Cytogenetic location: 2q23.1.
Variant type: single nucleotide variant.
Coding change: c.397+20G>A on transcript NM_001378120.1 (MANE Select); 20 bases into the intron after coding-DNA position 397, G replaced by A.
Molecular consequence: intron variant.
Genome position (GRCh38, 1-based): chr2:148,463,939, G>A. VCF-style: chr2-148463939-G-A. GRCh37 (hg19) VCF-style: chr2-149221508-G-A.
Other names: c.397+20G>A (NM_018328.5).
Identifiers: ClinVar variation 384958 (VCV000384958.10), dbSNP rs201763502, ClinGen allele CA1899867.
Genomic context (GRCh38, chr2:148,463,939, plus strand): 5'-ACATCCTTCTCTGGTGCTCACCAGTCCCGGAGGAGGAACAAGTATGTAATATGGTGAAAG[G>A]TTCAGGAATTCTCCTCTCCCTAGAGAAGGAGTTGCTAGAAATCATTTTGCCTAGCATTTT-3'

ClinVar aggregate classification (germline): Likely benign. Review status: criteria provided, multiple submitters, no conflicts (2 of 4 stars). 3 submissions from 3 submitters: Likely benign (3). Last evaluated 2025-12-16.

Conditions:
Intellectual developmental disorder, autosomal dominant 1. Also called: MBD5 Haploinsufficiency; Intellectual disability, autosomal dominant 1. Identifiers: Orphanet 228402, MedGen C1969562, MONDO:0007974, OMIM 156200.

Allele frequency attached by ClinVar (database versions not stated): ExAC 0.00003; gnomAD 0.00004 and 0.00003; gnomAD exomes 0.00003 and 0.00002; TOPMed 0.00003.
gnomAD v4.1: 47 of 1,611,706 alleles (0.0029%); highest among the groups gnomAD compares: Non-Finnish European, 0.0039%; no homozygotes.

Submissions (3):

Labcorp Genetics (formerly Invitae), Labcorp
Classification: Likely benign for Intellectual developmental disorder, autosomal dominant 1. Last evaluated: 2025-12-16. Review status: criteria provided, single submitter. Criteria: Invitae Variant Classification Sherloc (09022015). Collection method: clinical testing. Allele origin: germline.

Blueprint Genetics
Classification: Likely benign. Last evaluated: 2024-08-05. Review status: criteria provided, single submitter. Criteria: ACMG Guidelines, 2015. Collection method: clinical testing. Allele origin: germline.

GeneDx
Classification: Likely benign. Last evaluated: 2016-03-31. Review status: criteria provided, single submitter. Criteria: GeneDx Variant Classification (06012015). Collection method: clinical testing. Allele origin: germline. Affected: yes.
Comment: This variant is considered likely benign or benign based on one or more of the following criteria: it is a conservative change, it occurs at a poorly conserved position in the protein, it is predicted to be benign by multiple in silico algorithms, and/or has population frequency not consistent with disease.